The following is an entry in ClinVar:

NM_001080466.2(BTBD17):c.1386G>C (p.Leu462=)

Gene: BTBD17 (BTB domain containing 17; minus strand). Cytogenetic location: 17q25.1.
Variant type: single nucleotide variant.
Coding change: c.1386G>C on transcript NM_001080466.2 (MANE Select); coding-DNA position 1386, G replaced by C.
Protein change: p.Leu462=; no amino-acid change (leucine 462 retained).
Molecular consequence: synonymous variant.
Genome position (GRCh38, 1-based): chr17:74,356,708, C>G on the plus strand (G>C on the coding strand, the complement: BTBD17 is on the minus strand). VCF-style: chr17-74356708-C-G. GRCh37 (hg19) VCF-style: chr17-72352847-C-G.
Identifiers: ClinVar variation 2648195 (VCV002648195.24), dbSNP rs774047988, ClinGen allele CA502029607.
Genomic context (GRCh38, chr17:74,356,708, plus strand): 5'-ACCCCGAGGCTACTTGGGGGTCCGGATAAGGGTGTGGTATACGGGCTTGACGATGAGGTG[C>G]AGGTGCAGGGCGTTCTCAACCAGGTACTCGGAGTTGCGCCGCTGCAGGTCGGCGTGCGCC-3'
Protein context (NP_001073935.1, residues 452-472): SEYLVENALH[Leu462=]HLIVKPVYHT

ClinVar aggregate classification (germline): Likely benign (1 of 4 stars; one submission).

Submission:

CeGaT Center for Human Genetics Tuebingen
Classification: Likely benign. Last evaluated: 2026-08-01. Review status: criteria provided, single submitter. Criteria: CeGaT Center For Human Genetics Tuebingen Variant Classification Criteria Version 2. Collection method: clinical testing. Allele origin: germline. Affected: yes. Observed: 6 variant alleles.
Comment: BTBD17: PM2:Supporting, BP4, BP7